The following is an entry in ClinVar:

NM_000038.6(APC):c.6102del (p.Glu2035fs)

Gene: APC (APC regulator of Wnt signaling pathway; plus strand). Cytogenetic location: 5q22.2.
Variant type: Deletion.
Coding change: c.6102del on transcript NM_000038.6 (MANE Select); coding-DNA position 6102, one base deleted (T; older notation c.6102delT).
Protein change: p.Glu2035fs; shifts the reading frame from glutamic acid 2035.
Molecular consequence: frameshift variant.
Genome position (GRCh38, 1-based): chr5:112,841,696, T deleted. VCF-style (leftmost placement, unchanged base first): chr5-112841695-CT-C. GRCh37 (hg19) VCF-style: chr5-112177392-CT-C.
Other names: c.6102del, p.Glu2035fs (NM_001127510.3, NM_001354895.2); c.6048del, p.Glu2017fs (NM_001127511.3); c.6156del, p.Glu2053fs (NM_001354896.2); c.6132del, p.Glu2045fs (NM_001354897.2); c.6027del, p.Glu2010fs (NM_001354898.2); c.6018del, p.Glu2007fs (NM_001354899.2); c.5979del, p.Glu1994fs (NM_001354900.2); c.5925del, p.Glu1976fs (NM_001354901.2); and 5 more; short protein forms E1875fs, E2045fs, E1909fs, E1934fs, E2010fs, E2017fs, E2035fs, E1752fs.
Identifiers: ClinVar variation 1434608 (VCV001434608.10), dbSNP rs2149957064, ClinGen allele CA2573138687.

ClinVar aggregate classification (germline): Pathogenic/Likely pathogenic. Review status: criteria provided, multiple submitters, no conflicts (2 of 4 stars). 2 submissions from 2 submitters: Pathogenic (1); Likely pathogenic (1). Last evaluated 2020-12-30.

Conditions:
Hereditary cancer-predisposing syndrome. Also called: Hereditary Cancer Syndrome; Hereditary neoplastic syndrome; Neoplastic Syndromes, Hereditary; Tumor predisposition. Identifiers: Orphanet 140162, MedGen C0027672, MeSH D009386, MONDO:0015356.
Familial adenomatous polyposis 1 (FAP1). Also called: POLYPOSIS, ADENOMATOUS INTESTINAL; FAMILIAL ADENOMATOUS POLYPOSIS 1, ATTENUATED. Identifiers: MedGen C2713442, MONDO:0021056, OMIM 175100. Disease mechanism: loss of function.

Submissions (2):

Ambry Genetics
Classification: Likely pathogenic for Hereditary cancer-predisposing syndrome. Last evaluated: 2020-12-30. Review status: criteria provided, single submitter. Criteria: Ambry Variant Classification Scheme 2023. Collection method: clinical testing. Allele origin: germline.
Comment: The c.6102delT pathogenic mutation, located in coding exon 15 of the APC gene, results from a deletion of one nucleotide at nucleotide position 6102, causing a translational frameshift with a predicted alternate stop codon (p.E2035Kfs*9). This alteration occurs at the 3' terminus of the APC gene, is not expected to trigger nonsense-mediated mRNA decay, but impacts ~28% of the protein. Premature stop codons are typically deleterious in nature and the impacted region is critical for protein function (Ambry internal data). Based on the majority of available evidence to date, this variant is likely to be pathogenic.

Labcorp Genetics (formerly Invitae), Labcorp
Classification: Pathogenic for Familial adenomatous polyposis 1. Last evaluated: 2020-11-17. Review status: criteria provided, single submitter. Criteria: Invitae Variant Classification Sherloc (09022015). Collection method: clinical testing. Allele origin: germline.
Comment: A different truncation (p.Tyr2645Lysfs*14) that lies downstream of this variant has been determined to be pathogenic (PMID: 9824584, 1316610, 27081525, 8381579, 22135120, Invitae). This suggests that deletion of this region of the APC protein is causative of disease. For these reasons, this variant has been classified as Pathogenic. This variant is expected to disrupt the EB1 and HDLG binding sites, which mediate interactions with the cytoskeleton (PMID: 15311282, 17293347). While functional studies have not been performed to directly test the effect on APC protein function, this suggests that disruption of the C-terminal portion of the protein is functionally important. This variant has not been reported in the literature in individuals with APC-related conditions. This variant is not present in population databases (ExAC no frequency). This sequence change creates a premature translational stop signal (p.Glu2035Lysfs*9) in the APC gene. While this is not anticipated to result in nonsense mediated decay, it is expected to disrupt the last 809 amino acid(s) of the APC protein.

Literature cited by the submitters: PubMed 9824584 (cited by Labcorp Genetics (formerly Invitae), Labcorp); PubMed 1316610 (cited by Labcorp Genetics (formerly Invitae), Labcorp); PubMed 27081525 (cited by Labcorp Genetics (formerly Invitae), Labcorp); PubMed 8381579 (cited by Labcorp Genetics (formerly Invitae), Labcorp); PubMed 22135120 (cited by Labcorp Genetics (formerly Invitae), Labcorp); PubMed 15311282 (cited by Labcorp Genetics (formerly Invitae), Labcorp); PubMed 17293347 (cited by Labcorp Genetics (formerly Invitae), Labcorp).